The following is an entry in ClinVar:

NM_005591.4(MRE11):c.483G>T (p.Lys161Asn)

Gene: MRE11 (MRE11 double strand break repair nuclease; minus strand). Cytogenetic location: 11q21.
Variant type: single nucleotide variant.
Coding change: c.483G>T on transcript NM_005591.4 (MANE Select); coding-DNA position 483, G replaced by T.
Protein change: p.Lys161Asn; replaces lysine 161 with asparagine.
Molecular consequence: missense variant.
Genome position (GRCh38, 1-based): chr11:94,478,796, C>A on the plus strand (G>T on the coding strand, the complement: MRE11 is on the minus strand). VCF-style: chr11-94478796-C-A. GRCh37 (hg19) VCF-style: chr11-94211962-C-A.
Other names: c.483G>T, p.Lys161Asn (NM_001330347.2, NM_005590.4); short protein forms K161N.
Identifiers: ClinVar variation 3874348 (VCV003874348.1).
Genomic context (GRCh38, chr11:94,478,796, plus strand): 5'-TAAACCATATAGCGCAATCTTTGTGCTTCCTTTTTGAAGCAAAACCGGACTAATGTCTAT[C>A]TTCTCCACAGACATTGAACGTCCAAAGTGATTTACAAATCCAGCACAACTTAAAATGTCC-3'
Protein context (NP_005582.1, residues 151-171): NHFGRSMSVE[Lys161Asn]IDISPVLLQK

ClinVar aggregate classification (germline): Uncertain significance (1 of 4 stars; one submission).

Conditions:
Hereditary cancer-predisposing syndrome. Also called: Tumor predisposition; Neoplastic Syndromes, Hereditary; Hereditary Cancer Syndrome; Hereditary neoplastic syndrome. Identifiers: Orphanet 140162, MedGen C0027672, MeSH D009386, MONDO:0015356.

Submission:

Ambry Genetics
Classification: Uncertain significance for Hereditary cancer-predisposing syndrome. Last evaluated: 2025-03-09. Review status: criteria provided, single submitter. Criteria: Ambry Variant Classification Scheme 2023. Collection method: clinical testing. Allele origin: germline.
Comment: The p.K161N variant (also known as c.483G>T), located in coding exon 5 of the MRE11A gene, results from a G to T substitution at nucleotide position 483. The lysine at codon 161 is replaced by asparagine, an amino acid with similar properties. This amino acid position is conserved. In addition, this alteration is predicted to be tolerated by in silico analysis. Based on the available evidence, the clinical significance of this variant remains unclear.